The following is an entry in ClinVar:

NM_031407.7(HUWE1):c.5011G>A (p.Glu1671Lys)

Gene: HUWE1 (HECT, UBA and WWE domain containing E3 ubiquitin protein ligase 1; minus strand). Cytogenetic location: Xp11.22.
Variant type: single nucleotide variant.
Coding change: c.5011G>A on transcript NM_031407.7 (MANE Select); coding-DNA position 5011, G replaced by A.
Protein change: p.Glu1671Lys; replaces glutamic acid 1671 with lysine.
Molecular consequence: missense variant.
Genome position (GRCh38, 1-based): chrX:53,584,336, C>T on the plus strand (G>A on the coding strand, the complement: HUWE1 is on the minus strand). VCF-style: chrX-53584336-C-T. GRCh37 (hg19) VCF-style: chrX-53611296-C-T.
Other names: short protein forms E1671K.
Identifiers: ClinVar variation 962994 (VCV000962994.9), dbSNP rs2063759438, ClinGen allele CA413174883.

ClinVar aggregate classification (germline): Likely pathogenic (1 of 4 stars; one submission).

Submission:

Labcorp Genetics (formerly Invitae), Labcorp
Classification: Likely pathogenic. Last evaluated: 2019-10-18. Review status: criteria provided, single submitter. Criteria: Invitae Variant Classification Sherloc (09022015). Collection method: clinical testing. Allele origin: germline.
Comment: In summary, the currently available evidence indicates that the variant is pathogenic, but additional data are needed to prove that conclusively. Therefore, this variant has been classified as Likely Pathogenic. Algorithms developed to predict the effect of missense changes on protein structure and function are either unavailable or do not agree on the potential impact of this missense change (SIFT: "Deleterious"; PolyPhen-2: "Probably Damaging"; Align-GVGD: "Class C0"). This variant has been observed in individual(s) with clinical features of HUWE1-related disease (Invitae). In at least one individual the variant was observed to be de novo. This variant is not present in population databases (ExAC no frequency). This sequence change replaces glutamic acid with lysine at codon 1671 of the HUWE1 protein (p.Glu1671Lys). The glutamic acid residue is highly conserved and there is a small physicochemical difference between glutamic acid and lysine.